The following is an entry in ClinVar:

NM_001110556.2(FLNA):c.1939G>T (p.Val647Leu)

Gene: FLNA (filamin A; minus strand). Cytogenetic location: Xq28.
Variant type: single nucleotide variant.
Coding change: c.1939G>T on transcript NM_001110556.2 (MANE Select); coding-DNA position 1939, G replaced by T.
Protein change: p.Val647Leu; replaces valine 647 with leucine.
Molecular consequence: missense variant.
Genome position (GRCh38, 1-based): chrX:154,364,609, C>A on the plus strand (G>T on the coding strand, the complement: FLNA is on the minus strand). VCF-style: chrX-154364609-C-A. GRCh37 (hg19) VCF-style: chrX-153592977-C-A.
Other names: c.1939G>T, p.Val647Leu (NM_001456.4); short protein forms V647L.
Identifiers: ClinVar variation 1783017 (VCV001783017.2), dbSNP rs2067741178, ClinGen allele CA415241536.

ClinVar aggregate classification (germline): Uncertain significance (1 of 4 stars; one submission).

Conditions:
Familial thoracic aortic aneurysm and aortic dissection (TAAD). Also called: Thoracic aortic aneurysms and dissections. Identifiers: Orphanet 91387, MedGen C4707243, MONDO:0019625.

Submission:

Ambry Genetics
Classification: Uncertain significance for Familial thoracic aortic aneurysm and aortic dissection. Last evaluated: 2020-12-21. Review status: criteria provided, single submitter. Criteria: Ambry Variant Classification Scheme 2023. Collection method: clinical testing. Allele origin: germline.
Comment: The p.V647L variant (also known as c.1939G>T), located in coding exon 12 of the FLNA gene, results from a G to T substitution at nucleotide position 1939. The valine at codon 647 is replaced by leucine, an amino acid with highly similar properties. This amino acid position is highly conserved in available vertebrate species. In addition, the in silico prediction for this alteration is inconclusive. Since supporting evidence is limited at this time, the clinical significance of this alteration remains unclear.